The following is an entry in ClinVar:

ClinVar aggregate classification (germline): Uncertain significance. Review status: criteria provided, multiple submitters, no conflicts (2 of 4 stars). 2 submissions from 2 submitters: Uncertain significance (2). Last evaluated 2025-01-06.

Conditions:
Sulfite oxidase deficiency. Also called: Isolated sulfite oxidase deficiency. Identifiers: Orphanet 833, Orphanet 99731, MedGen C0268624, MONDO:0010089, OMIM 272300, HP:0003643.

Allele frequency attached by ClinVar (database versions not stated): gnomAD exomes 0.00004 and 0.00006; TOPMed 0.00005; ExAC 0.00006; gnomAD 0.00007 and 0.00008; ESP Exome Variant Server 0.00015.
gnomAD v4.1: 103 of 1,613,746 alleles (0.0064%); highest among the groups gnomAD compares: South Asian, 0.016%; no homozygotes.

Submissions (2):

Labcorp Genetics (formerly Invitae), Labcorp
Classification: Uncertain significance for Sulfite oxidase deficiency. Last evaluated: 2025-01-06. Review status: criteria provided, single submitter. Criteria: Invitae Variant Classification Sherloc (09022015). Collection method: clinical testing. Allele origin: germline.
Comment: This sequence change replaces arginine, which is basic and polar, with glutamine, which is neutral and polar, at codon 433 of the SUOX protein (p.Arg433Gln). This variant is present in population databases (rs201249214, gnomAD 0.01%). This variant has not been reported in the literature in individuals affected with SUOX-related conditions. ClinVar contains an entry for this variant (Variation ID: 284923). Invitae Evidence Modeling of protein sequence and biophysical properties (such as structural, functional, and spatial information, amino acid conservation, physicochemical variation, residue mobility, and thermodynamic stability) indicates that this missense variant is not expected to disrupt SUOX protein function with a negative predictive value of 95%. In summary, the available evidence is currently insufficient to determine the role of this variant in disease. Therefore, it has been classified as a Variant of Uncertain Significance.

Eurofins Ntd Llc (ga)
Classification: Uncertain significance. Last evaluated: 2015-11-11. Review status: criteria provided, single submitter. Criteria: EGL Classification Definitions 2015. Collection method: clinical testing. Allele origin: germline. Observed: 1 variant allele, 1 heterozygote.

NM_001032386.2(SUOX):c.1298G>A (p.Arg433Gln)

Gene: SUOX (sulfite oxidase; plus strand). Cytogenetic location: 12q13.2.
Variant type: single nucleotide variant.
Coding change: c.1298G>A on transcript NM_001032386.2 (MANE Select); coding-DNA position 1298, G replaced by A.
Protein change: p.Arg433Gln; replaces arginine 433 with glutamine.
Molecular consequence: missense variant.
Genome position (GRCh38, 1-based): chr12:56,004,687, G>A. VCF-style: chr12-56004687-G-A. GRCh37 (hg19) VCF-style: chr12-56398471-G-A.
Other names: c.1298G>A, p.Arg433Gln (NM_000456.3, NM_001032387.2); short protein forms R433Q.
Identifiers: ClinVar variation 284923 (VCV000284923.9), dbSNP rs201249214, ClinGen allele CA6621145.